The following is an entry in ClinVar:

ClinVar aggregate classification (germline): Conflicting classifications of pathogenicity. Review status: criteria provided, conflicting classifications (1 of 4 stars). 8 submissions from 8 submitters: Uncertain significance (1); Likely benign (6). 1 of the submissions does not count toward it. Last evaluated 2026-09-01.

Conditions:
Decreased circulating carnitine concentration. Also called: Decreased plasma carnitine. Identifiers: MedGen C5848230, HP:0003234.
Renal carnitine transport defect (CDSP). Also called: Systemic primary carnitine deficiency; CARNITINE DEFICIENCY, SYSTEMIC, DUE TO DEFECT IN RENAL REABSORPTION OF CARNITINE; CARNITINE TRANSPORTER, PLASMA-MEMBRANE, DEFICIENCY OF; CARNITINE UPTAKE DEFECT; Primary carnitine deficiency; Carnitine transporter deficiency. Identifiers: Orphanet 158, MedGen C0342788, MONDO:0008919, OMIM 212140.

Allele frequency attached by ClinVar (database versions not stated): 1000 Genomes Project 30x 0.00016; ESP Exome Variant Server 0.00024; gnomAD 0.00051 and 0.00073; gnomAD exomes 0.00060 and 0.00075; TOPMed 0.00094; ExAC 0.00100; 1000 Genomes Project 0.00160.
gnomAD v4.1: 1,172 of 1,578,882 alleles (0.074%); highest among the groups gnomAD compares: South Asian, 0.091%; 2 homozygotes.

Submissions (8):

CeGaT Center for Human Genetics Tuebingen
Classification: Likely benign. Last evaluated: 2026-09-01. Review status: criteria provided, single submitter. Criteria: CeGaT Center For Human Genetics Tuebingen Variant Classification Criteria Version 2. Collection method: clinical testing. Allele origin: germline. Affected: yes. Observed: 5 variant alleles.
Comment: SLC22A5: BP4, BP7

Labcorp Genetics (formerly Invitae), Labcorp
Classification: Likely benign for Renal carnitine transport defect. Last evaluated: 2026-02-01. Review status: criteria provided, single submitter. Criteria: Invitae Variant Classification Sherloc (09022015). Collection method: clinical testing. Allele origin: germline.

Blueprint Genetics
Classification: Likely benign. Last evaluated: 2024-11-13. Review status: criteria provided, single submitter. Criteria: ACMG Guidelines, 2015. Collection method: clinical testing. Allele origin: germline.

ARUP Laboratories, Molecular Genetics and Genomics, ARUP Laboratories
Classification: Likely benign for Renal carnitine transport defect. Last evaluated: 2023-10-26. Review status: criteria provided, single submitter. Criteria: ARUP Molecular Germline Variant Investigation Process 2024. Collection method: clinical testing. Allele origin: germline.

Genome-Nilou Lab
Classification: Likely benign for Renal carnitine transport defect. Last evaluated: 2021-07-15. Review status: criteria provided, single submitter. Criteria: ACMG Guidelines, 2015. Collection method: clinical testing. Allele origin: germline. Affected: no.

GeneDx
Classification: Likely benign. Last evaluated: 2020-09-08. Review status: criteria provided, single submitter. Criteria: GeneDx Variant Classification Process June 2021. Collection method: clinical testing. Allele origin: germline. Affected: yes.

Illumina Laboratory Services, Illumina
Classification: Uncertain significance for Renal carnitine transport defect. Last evaluated: 2018-01-12. Review status: criteria provided, single submitter. Criteria: ICSL Variant Classification Criteria 13 December 2019. Collection method: clinical testing. Allele origin: germline.

Natera, Inc.
Classification: Likely benign for Carnitine deficiency. Last evaluated: 2020-09-30. Review status: no assertion criteria provided. Collection method: clinical testing. Allele origin: germline. Not counted in ClinVar's aggregate classification.

NM_003060.4(SLC22A5):c.279G>C (p.Ser93=)

Gene: SLC22A5 (solute carrier family 22 member 5; plus strand). Cytogenetic location: 5q31.1.
Variant type: single nucleotide variant.
Coding change: c.279G>C on transcript NM_003060.4 (MANE Select); coding-DNA position 279, G replaced by C.
Protein change: p.Ser93=; no amino-acid change (serine 93 retained).
Molecular consequence: synonymous variant.
Genome position (GRCh38, 1-based): chr5:132,370,251, G>C. VCF-style: chr5-132370251-G-C. GRCh37 (hg19) VCF-style: chr5-131705943-G-C.
Other names: c.279G>C, p.Ser93= (NM_001308122.2).
Identifiers: ClinVar variation 460406 (VCV000460406.48), dbSNP rs377734902, ClinGen allele CA3403833.
Genomic context (GRCh38, chr5:132,370,251, plus strand): 5'-CGGCCGCGAGGTGCCCCACAGCTGCCGCCGCTACCGGCTCGCCACCATCGCCAACTTCTC[G>C]GCGCTTGGGCTGGAGCCGGGGCGCGACGTGGACCTGGGGCAGCTGGAGCAGGAGAGCTGT-3'
Protein context (NP_003051.1, residues 83-103): RYRLATIANF[Ser93=]ALGLEPGRDV